The following is an entry in ClinVar:

ClinVar aggregate classification (germline): Benign/Likely benign. Review status: criteria provided, multiple submitters, no conflicts (2 of 4 stars). 2 submissions from 2 submitters: Benign (1); Likely benign (1). Last evaluated 2026-01-17.

Allele frequency attached by ClinVar (database versions not stated): ESP Exome Variant Server 0.00069; TOPMed 0.00073; gnomAD exomes 0.00090 and 0.00140; gnomAD 0.00091 and 0.00092; 1000 Genomes Project 0.00100; 1000 Genomes Project 30x 0.00109; ExAC 0.00172.

Submissions (2):

Labcorp Genetics (formerly Invitae), Labcorp
Classification: Benign. Last evaluated: 2026-01-17. Review status: criteria provided, single submitter. Criteria: Invitae Variant Classification Sherloc (09022015). Collection method: clinical testing. Allele origin: germline.

CeGaT Center for Human Genetics Tuebingen
Classification: Likely benign. Last evaluated: 2023-11-01. Review status: criteria provided, single submitter. Criteria: CeGaT Center For Human Genetics Tuebingen Variant Classification Criteria Version 2. Collection method: clinical testing. Allele origin: germline. Affected: yes. Observed: 5 variant alleles.
Comment: TELO2: BP4, BS2

NM_016111.4(TELO2):c.1281+6C>T

Gene: TELO2 (telomere maintenance 2; plus strand). Cytogenetic location: 16p13.3.
Variant type: single nucleotide variant.
Coding change: c.1281+6C>T on transcript NM_016111.4 (MANE Select); 6 bases into the intron after coding-DNA position 1281, C replaced by T.
Molecular consequence: intron variant.
Genome position (GRCh38, 1-based): chr16:1,500,705, C>T. VCF-style: chr16-1500705-C-T. GRCh37 (hg19) VCF-style: chr16-1550706-C-T.
Other names: c.1281+6C>T (NM_001351846.2).
Identifiers: ClinVar variation 774339 (VCV000774339.38), dbSNP rs200073796, ClinGen allele CA7812015.
Genomic context (GRCh38, chr16:1,500,705, plus strand): 5'-GGCAGAGGTCGTTAGTGCCCGGATCCACCCCGAGGGGCCTCCCCTGAAATTCCAGGTGAG[C>T]GGGCCGTCCCCTCCGCGTCCCCGTGTGGCTGGCCCGGGTCTCCCGAGCGGCTGCCTCTCC-3'